The following is an entry in ClinVar:

ClinVar aggregate classification (germline): Uncertain significance (1 of 4 stars; one submission).

Submission:

Labcorp Genetics (formerly Invitae), Labcorp
Classification: Uncertain significance. Last evaluated: 2025-09-23. Review status: criteria provided, single submitter. Criteria: Invitae Variant Classification Sherloc (09022015). Collection method: clinical testing. Allele origin: germline.
Comment: This sequence change affects codon 160 of the SLC41A1 mRNA. It is a 'silent' change, meaning that it does not change the encoded amino acid sequence of the SLC41A1 protein. It affects a nucleotide within the consensus splice site. This variant is not present in population databases (gnomAD no frequency). This variant has not been reported in the literature in individuals affected with SLC41A1-related conditions. Algorithms developed to predict the effect of sequence changes on RNA splicing suggest that this variant is not likely to affect RNA splicing. In summary, the available evidence is currently insufficient to determine the role of this variant in disease. Therefore, it has been classified as a Variant of Uncertain Significance.

NM_173854.6(SLC41A1):c.480A>G (p.Ala160=)

Gene: SLC41A1 (solute carrier family 41 member 1; minus strand). Cytogenetic location: 1q32.1.
Variant type: single nucleotide variant.
Coding change: c.480A>G on transcript NM_173854.6 (MANE Select); coding-DNA position 480, A replaced by G.
Protein change: p.Ala160=; no amino-acid change (alanine 160 retained).
Molecular consequence: synonymous variant.
Genome position (GRCh38, 1-based): chr1:205,800,953, T>C on the plus strand (A>G on the coding strand, the complement: SLC41A1 is on the minus strand). VCF-style: chr1-205800953-T-C. GRCh37 (hg19) VCF-style: chr1-205770081-T-C.
Identifiers: ClinVar variation 4781588 (VCV004781588.1).